The following is an entry in ClinVar:

ClinVar aggregate classification (germline): Uncertain significance. Review status: criteria provided, multiple submitters, no conflicts (2 of 4 stars). 5 submissions from 5 submitters: Uncertain significance (5). Last evaluated 2025-06-29.

Conditions:
Loeys-Dietz syndrome (LDS). Identifiers: Orphanet 60030, MedGen C2697932, MONDO:0018954.
Familial thoracic aortic aneurysm and aortic dissection (TAAD). Also called: Thoracic aortic aneurysms and dissections. Identifiers: Orphanet 91387, MedGen C4707243, MONDO:0019625.

Allele frequency attached by ClinVar (database versions not stated): gnomAD exomes below 0.00001 and 0.00001; gnomAD 0.00001; TOPMed 0.00001.
gnomAD v4.1: 5 of 1,613,858 alleles (0.00031%); highest among the groups gnomAD compares: Non-Finnish European, 0.00034%; no homozygotes.

Submissions (5):

Labcorp Genetics (formerly Invitae), Labcorp
Classification: Uncertain significance for Familial thoracic aortic aneurysm and aortic dissection. Last evaluated: 2025-06-29. Review status: criteria provided, single submitter. Criteria: Invitae Variant Classification Sherloc (09022015). Collection method: clinical testing. Allele origin: germline.
Comment: This sequence change replaces glutamic acid, which is acidic and polar, with lysine, which is basic and polar, at codon 74 of the TGFBR1 protein (p.Glu74Lys). This variant is present in population databases (no rsID available, gnomAD 0.01%). This missense change has been observed in individual(s) with clinical features of TGFBR1-related conditions (internal data). ClinVar contains an entry for this variant (Variation ID: 543903). Invitae Evidence Modeling of protein sequence and biophysical properties (such as structural, functional, and spatial information, amino acid conservation, physicochemical variation, residue mobility, and thermodynamic stability) indicates that this missense variant is not expected to disrupt TGFBR1 protein function with a negative predictive value of 80%. In summary, the available evidence is currently insufficient to determine the role of this variant in disease. Therefore, it has been classified as a Variant of Uncertain Significance.

Blueprint Genetics
Classification: Uncertain significance. Last evaluated: 2024-06-25. Review status: criteria provided, single submitter. Criteria: ACMG Guidelines, 2015. Collection method: clinical testing. Allele origin: germline.

All of Us Research Program, National Institutes of Health
Classification: Uncertain significance for Loeys-Dietz syndrome. Last evaluated: 2024-05-14. Review status: criteria provided, single submitter. Criteria: ACMG Guidelines, 2015. Collection method: clinical testing. Allele origin: germline. Inheritance: Autosomal dominant inheritance. Observed: 3 variant alleles, 3 heterozygotes.
Comment: This missense variant replaces glutamic acid with lysine at codon 74 of the TGFBR1 protein. Computational prediction suggests that this variant may not impact protein structure and function (internally defined REVEL score threshold <= 0.5, PMID: 27666373). To our knowledge, functional studies have not been reported for this variant. This variant has not been reported in individuals affected with cardiovascular disorders in the literature. This variant has been identified in 2/250892 chromosomes in the general population by the Genome Aggregation Database (gnomAD). The available evidence is insufficient to determine the role of this variant in disease conclusively. Therefore, this variant is classified as a Variant of Uncertain Significance.

This study involves interpretation of variants in research participants for the purpose of population health screening. Participant phenotype was not available at the time of variant classification. Additional details can be found in publication PMID: 35346344, PMCID: PMC8962531

Color Diagnostics, LLC DBA Color Health
Classification: Uncertain significance for Familial thoracic aortic aneurysm and aortic dissection. Last evaluated: 2024-03-06. Review status: criteria provided, single submitter. Criteria: ACMG Guidelines, 2015. Collection method: clinical testing. Allele origin: germline.
Comment: This missense variant replaces glutamic acid with lysine at codon 74 of the TGFBR1 protein. Computational prediction suggests that this variant may not impact protein structure and function (internally defined REVEL score threshold <= 0.5, PMID: 27666373). To our knowledge, functional studies have not been reported for this variant. This variant has not been reported in individuals affected with cardiovascular disorders in the literature. This variant has been identified in 2/250892 chromosomes in the general population by the Genome Aggregation Database (gnomAD). The available evidence is insufficient to determine the role of this variant in disease conclusively. Therefore, this variant is classified as a Variant of Uncertain Significance.

CeGaT Center for Human Genetics Tuebingen
Classification: Uncertain significance. Last evaluated: 2019-02-01. Review status: criteria provided, single submitter. Criteria: CeGaT Center For Human Genetics Tuebingen Variant Classification Criteria Version 2. Collection method: clinical testing. Allele origin: germline. Affected: yes. Observed: 1 variant allele.

NM_004612.4(TGFBR1):c.220G>A (p.Glu74Lys)

Gene: TGFBR1 (transforming growth factor beta receptor 1; plus strand). Cytogenetic location: 9q22.33.
Variant type: single nucleotide variant.
Coding change: c.220G>A on transcript NM_004612.4 (MANE Select); coding-DNA position 220, G replaced by A.
Protein change: p.Glu74Lys; replaces glutamic acid 74 with lysine.
Molecular consequence: missense variant.
Genome position (GRCh38, 1-based): chr9:99,128,977, G>A. VCF-style: chr9-99128977-G-A. GRCh37 (hg19) VCF-style: chr9-101891259-G-A.
Other names: c.220G>A, p.Glu74Lys (NM_001130916.3, NM_001306210.2); short protein forms E74K.
Identifiers: ClinVar variation 543903 (VCV000543903.57), dbSNP rs998268148, ClinGen allele CA196882280.